The following is an entry in ClinVar:

ClinVar aggregate classification (germline): Uncertain significance. Review status: criteria provided, single submitter (1 of 4 stars). 2 submissions from 2 submitters: Uncertain significance (1). 1 of the submissions does not count toward it. Last evaluated 2021-09-01.

Conditions:
Granulomatous disease, chronic, autosomal recessive, cytochrome b-negative. Also called: GRANULOMATOUS DISEASE, CHRONIC, AUTOSOMAL RECESSIVE, 4; CGD DUE TO DEFICIENCY OF THE ALPHA SUBUNIT OF CYTOCHROME b; CGD, AUTOSOMAL RECESSIVE CYTOCHROME b-NEGATIVE; CYBA DEFICIENCY; Chronic granulomatous disease, autosomal, due to deficiency of CYBA. Identifiers: Orphanet 379, MedGen C1856255, MONDO:0009308, OMIM 233690.
Chronic granulomatous disease. Identifiers: Orphanet 379, MedGen C0018203, MONDO:0018305.

Allele frequency attached by ClinVar (database versions not stated): TOPMed 0.00001; gnomAD 0.00003 and 0.00005; gnomAD exomes 0.00006; 1000 Genomes Project 30x 0.00016; ExAC 0.00030.
gnomAD v4.1: 37 of 1,522,886 alleles (0.0024%); highest among the groups gnomAD compares: East Asian, 0.013%; no homozygotes.

Submissions (2):

Labcorp Genetics (formerly Invitae), Labcorp
Classification: Uncertain significance for Granulomatous disease, chronic, autosomal recessive, cytochrome b-negative. Last evaluated: 2021-09-01. Review status: criteria provided, single submitter. Criteria: Invitae Variant Classification Sherloc (09022015). Collection method: clinical testing. Allele origin: germline.
Comment: This sequence change replaces valine with methionine at codon 195 of the CYBA protein (p.Val195Met). The valine residue is moderately conserved and there is a small physicochemical difference between valine and methionine. While this variant is present in population databases (rs778671805), the frequency information is unreliable, as metrics indicate poor data quality at this position in the ExAC database. This variant has not been reported in the literature in individuals affected with CYBA-related conditions. Algorithms developed to predict the effect of missense changes on protein structure and function are either unavailable or do not agree on the potential impact of this missense change (SIFT: "Deleterious"; PolyPhen-2: "Probably Damaging"; Align-GVGD: "Class C0"). In summary, the available evidence is currently insufficient to determine the role of this variant in disease. Therefore, it has been classified as a Variant of Uncertain Significance.

Natera, Inc.
Classification: Uncertain significance for Chronic granulomatous disease. Last evaluated: 2020-07-05. Review status: no assertion criteria provided. Collection method: clinical testing. Allele origin: germline. Not counted in ClinVar's aggregate classification.

NM_000101.4(CYBA):c.583G>A (p.Val195Met)

Gene: CYBA (cytochrome b-245 alpha chain; minus strand). Cytogenetic location: 16q24.2.
Variant type: single nucleotide variant.
Coding change: c.583G>A on transcript NM_000101.4 (MANE Select); coding-DNA position 583, G replaced by A.
Protein change: p.Val195Met; replaces valine 195 with methionine.
Molecular consequence: missense variant.
Genome position (GRCh38, 1-based): chr16:88,643,358, C>T on the plus strand (G>A on the coding strand, the complement: CYBA is on the minus strand). VCF-style: chr16-88643358-C-T. GRCh37 (hg19) VCF-style: chr16-88709766-C-T.
Other names: short protein forms V195M.
Identifiers: ClinVar variation 958752 (VCV000958752.5), dbSNP rs778671805, ClinGen allele CA8228165.